The following is an entry in ClinVar:

NM_001686.4(ATP5F1B):c.379G>T (p.Asp127Tyr)

Gene: ATP5F1B (ATP synthase F1 subunit beta; minus strand). Cytogenetic location: 12q13.3.
Variant type: single nucleotide variant.
Coding change: c.379G>T on transcript NM_001686.4 (MANE Select); coding-DNA position 379, G replaced by T.
Protein change: p.Asp127Tyr; replaces aspartic acid 127 with tyrosine.
Molecular consequence: missense variant.
Genome position (GRCh38, 1-based): chr12:56,644,887, C>A on the plus strand (G>T on the coding strand, the complement: ATP5F1B is on the minus strand). VCF-style: chr12-56644887-C-A. GRCh37 (hg19) VCF-style: chr12-57038671-C-A.
Other names: short protein forms D127Y.
Identifiers: ClinVar variation 5020457 (VCV005020457.1).
Genomic context (GRCh38, chr12:56,644,887, plus strand): 5'-CATTCATGATTCTGCCCAAAGTCTCAGGACCAACAGGAATTTTGATTGGTGCACCAGAAT[C>A]CAGTACTTTCTGGCCTCTAACCAAGCCTTCTGTACCATCCATAGCAATAGTCCTTACTGT-3'
Protein context (NP_001677.2, residues 117-137): EGLVRGQKVL[Asp127Tyr]SGAPIKIPVG

ClinVar aggregate classification (germline): Uncertain significance (1 of 4 stars; one submission).

Submission:

Dasa
Classification: Uncertain significance. Last evaluated: 2026-05-29. Review status: criteria provided, single submitter. Criteria: DASA Assertion Criteria. Collection method: clinical testing. Allele origin: germline.
Comment: NM_001686.4(ATP5F1B):c.379G>T (p.Asp127Tyr) is a missense variant that results in the substitution of aspartic acid with tyrosine. This variant is rare in population databases. Computational prediction algorithms are consistent with a deleterious effect. The currently available literature and clinical evidence are not sufficient to establish a definitive association between this variant and the reported condition. Therefore, this variant is classified as a variant of uncertain significance.